The following is an entry in ClinVar:

NM_001353345.2(SETD1B):c.1495C>T (p.Leu499=)

Gene: SETD1B (SET domain containing 1B, histone lysine methyltransferase; plus strand). Cytogenetic location: 12q24.31.
Variant type: single nucleotide variant.
Coding change: c.1495C>T on transcript NM_001353345.2 (MANE Select); coding-DNA position 1495, C replaced by T.
Protein change: p.Leu499=; no amino-acid change (leucine 499 retained).
Molecular consequence: synonymous variant.
Genome position (GRCh38, 1-based): chr12:121,810,440, C>T. VCF-style: chr12-121810440-C-T. GRCh37 (hg19) VCF-style: chr12-122248346-C-T.
Other names: NM_015048.1:c.1495C>T.
Identifiers: ClinVar variation 2643435 (VCV002643435.26), dbSNP rs182923294, ClinGen allele CA6838879.

ClinVar aggregate classification (germline): Likely benign. Review status: criteria provided, multiple submitters, no conflicts (2 of 4 stars). 3 submissions from 3 submitters: Likely benign (2). 1 of the submissions does not count toward it. Last evaluated 2024-09-17.

Conditions:
SETD1B-related disorder. Also called: SETD1B-related condition.

Allele frequency attached by ClinVar (database versions not stated): gnomAD exomes 0.00008; gnomAD 0.00019; TOPMed 0.00026; ExAC 0.00034; 1000 Genomes Project 0.00160; 1000 Genomes Project 30x 0.00203.
gnomAD v4.1: 150 of 1,549,332 alleles (0.0097%); highest among the groups gnomAD compares: East Asian, 0.33%; 1 homozygote.

Submissions (3):

Blueprint Genetics
Classification: Likely benign. Last evaluated: 2024-09-17. Review status: criteria provided, single submitter. Criteria: ACMG Guidelines, 2015. Collection method: clinical testing. Allele origin: germline.

CeGaT Center for Human Genetics Tuebingen
Classification: Likely benign. Last evaluated: 2023-02-01. Review status: criteria provided, single submitter. Criteria: CeGaT Center For Human Genetics Tuebingen Variant Classification Criteria Version 2. Collection method: clinical testing. Allele origin: germline. Affected: yes. Observed: 1 variant allele.
Comment: SETD1B: BP4, BP7

PreventionGenetics, part of Exact Sciences
Classification: Likely benign for SETD1B-related condition. Last evaluated: 2019-08-09. Review status: no assertion criteria provided. Collection method: clinical testing. Allele origin: germline. Not counted in ClinVar's aggregate classification.
Comment: This variant is classified as likely benign based on ACMG/AMP sequence variant interpretation guidelines (Richards et al. 2015 PMID: 25741868, with internal and published modifications).